The following is an entry in ClinVar:

ClinVar aggregate classification (germline): Uncertain significance. Review status: criteria provided, multiple submitters, no conflicts (2 of 4 stars). 3 submissions from 3 submitters: Uncertain significance (3). Last evaluated 2025-02-09.

Conditions:
Patterned macular dystrophy 2. Identifiers: Orphanet 99001, MedGen C1837029, MONDO:0012162, OMIM 608970.
Hereditary cancer-predisposing syndrome. Also called: Tumor predisposition; Hereditary neoplastic syndrome; Neoplastic Syndromes, Hereditary; Hereditary Cancer Syndrome. Identifiers: Orphanet 140162, MedGen C0027672, MeSH D009386, MONDO:0015356.

Allele frequency attached by ClinVar (database versions not stated): gnomAD exomes below 0.00001; TOPMed below 0.00001.
gnomAD v4.1: 2 of 1,614,204 alleles (0.00012%); highest among the groups gnomAD compares: Non-Finnish European, 0.00017%; no homozygotes.

Submissions (3):

Ambry Genetics
Classification: Uncertain significance for Hereditary cancer-predisposing syndrome. Last evaluated: 2025-02-09. Review status: criteria provided, single submitter. Criteria: Ambry Variant Classification Scheme 2023. Collection method: clinical testing. Allele origin: germline.
Comment: The p.R330C variant (also known as c.988C>T), located in coding exon 6 of the CTNNA1 gene, results from a C to T substitution at nucleotide position 988. The arginine at codon 330 is replaced by cysteine, an amino acid with highly dissimilar properties. This amino acid position is conserved. In addition, this alteration is predicted to be deleterious by in silico analysis. Based on the available evidence, the clinical significance of this variant remains unclear.

Baylor Genetics
Classification: Uncertain significance for Patterned macular dystrophy 2. Last evaluated: 2023-06-19. Review status: criteria provided, single submitter. Criteria: ACMG Guidelines, 2015. Collection method: clinical testing. Allele origin: unknown.

Labcorp Genetics (formerly Invitae), Labcorp
Classification: Uncertain significance. Last evaluated: 2022-08-06. Review status: criteria provided, single submitter. Criteria: Invitae Variant Classification Sherloc (09022015). Collection method: clinical testing. Allele origin: germline.
Comment: This sequence change replaces arginine, which is basic and polar, with cysteine, which is neutral and slightly polar, at codon 330 of the CTNNA1 protein (p.Arg330Cys). This variant is not present in population databases (gnomAD no frequency). This variant has not been reported in the literature in individuals affected with CTNNA1-related conditions. Algorithms developed to predict the effect of missense changes on protein structure and function are either unavailable or do not agree on the potential impact of this missense change (SIFT: "Deleterious"; PolyPhen-2: "Probably Damaging"; Align-GVGD: "Class C0"). In summary, the available evidence is currently insufficient to determine the role of this variant in disease. Therefore, it has been classified as a Variant of Uncertain Significance.

NM_001903.5(CTNNA1):c.988C>T (p.Arg330Cys)

Gene: CTNNA1 (catenin alpha 1; plus strand). Cytogenetic location: 5q31.2.
Variant type: single nucleotide variant.
Coding change: c.988C>T on transcript NM_001903.5 (MANE Select); coding-DNA position 988, C replaced by T.
Protein change: p.Arg330Cys; replaces arginine 330 with cysteine.
Molecular consequence: missense variant.
Genome position (GRCh38, 1-based): chr5:138,827,644, C>T. VCF-style: chr5-138827644-C-T. GRCh37 (hg19) VCF-style: chr5-138163333-C-T.
Other names: c.988C>T, p.Arg330Cys (NM_001290307.3, NM_001323982.2, NM_001323983.1 and 3 more transcripts); c.679C>T, p.Arg227Cys (NM_001290309.3); c.619C>T, p.Arg207Cys (NM_001290310.3); c.988C>T (NM_001903.2); short protein forms R227C, R207C, R330C.
Identifiers: ClinVar variation 1986710 (VCV001986710.6), dbSNP rs1760853984, ClinGen allele CA361131084.
Genomic context (GRCh38, chr5:138,827,644, plus strand): 5'-GAAAGCATCATTAGTGGGGCTGCCTTGATGGCCGACTCGTCCTGCACGCGTGATGACCGT[C>T]GTGAGCGAATTGTGGCAGAGTGTAATGCTGTCCGCCAGGCCCTGCAGGACCTGCTTTCGG-3'
Protein context (NP_001894.2, residues 320-340): ADSSCTRDDR[Arg330Cys]ERIVAECNAV